The following is an entry in ClinVar:

ClinVar aggregate classification (germline): Likely benign. Review status: criteria provided, multiple submitters, no conflicts (2 of 4 stars). 3 submissions from 3 submitters: Likely benign (3). Last evaluated 2023-03-26.

Conditions:
Shprintzen-Goldberg syndrome (SGS). Also called: SHPRINTZEN-GOLDBERG CRANIOSYNOSTOSIS SYNDROME; CRANIOSYNOSTOSIS WITH ARACHNODACTYLY AND ABDOMINAL HERNIAS; Marfanoid disorder with craniosynostosis type 1; Marfanoid craniosynostosis syndrome; Shprintzen-Goldberg marfanoid syndrome. Identifiers: Orphanet 2462, MedGen C1321551, MONDO:0008426, OMIM 182212.
Familial thoracic aortic aneurysm and aortic dissection (TAAD). Also called: Thoracic aortic aneurysms and dissections. Identifiers: Orphanet 91387, MedGen C4707243, MONDO:0019625.

gnomAD v4.1: 7 of 1,588,066 alleles (0.00044%); highest among the groups gnomAD compares: Non-Finnish European, 0.0006%; no homozygotes.

Submissions (3):

Labcorp Genetics (formerly Invitae), Labcorp
Classification: Likely benign for Shprintzen-Goldberg syndrome. Last evaluated: 2023-03-26. Review status: criteria provided, single submitter. Criteria: Invitae Variant Classification Sherloc (09022015). Collection method: clinical testing. Allele origin: germline.

Ambry Genetics
Classification: Likely benign for Familial thoracic aortic aneurysm and aortic dissection. Last evaluated: 2022-09-16. Review status: criteria provided, single submitter. Criteria: Ambry Variant Classification Scheme 2023. Collection method: clinical testing. Allele origin: germline.

GeneDx
Classification: Likely benign. Last evaluated: 2016-02-09. Review status: criteria provided, single submitter. Criteria: GeneDx Variant Classification (06012015). Collection method: clinical testing. Allele origin: germline. Affected: yes.
Comment: This variant is considered likely benign or benign based on one or more of the following criteria: it is a conservative change, it occurs at a poorly conserved position in the protein, it is predicted to be benign by multiple in silico algorithms, and/or has population frequency not consistent with disease.

NM_003036.4(SKI):c.1932G>A (p.Ala644=)

Gene: SKI (SKI proto-oncogene; plus strand). Cytogenetic location: 1p36.32.
Variant type: single nucleotide variant.
Coding change: c.1932G>A on transcript NM_003036.4 (MANE Select); coding-DNA position 1932, G replaced by A.
Protein change: p.Ala644=; no amino-acid change (alanine 644 retained).
Molecular consequence: synonymous variant.
Genome position (GRCh38, 1-based): chr1:2,306,184, G>A. VCF-style: chr1-2306184-G-A. GRCh37 (hg19) VCF-style: chr1-2237623-G-A.
Identifiers: ClinVar variation 383505 (VCV000383505.10), dbSNP rs1057521646, ClinGen allele CA16603516.
Genomic context (GRCh38, chr1:2,306,184, plus strand): 5'-GAAGAAGATGAAAGAGGCCAACGAGTCACGGCTGCGCCTGAAGCGGGAGCTGGAGCAGGC[G>A]CGGCAGGCCCGGGTGTGCGACAAGGGCTGCGAGGCGGGCCGCCTGCGCGCCAAGTACTCG-3'
Protein context (NP_003027.1, residues 634-654): RLRLKRELEQ[Ala644=]RQARVCDKGC